The following is an entry in ClinVar:

NM_004360.5(CDH1):c.1570C>T (p.Arg524Trp)

Gene: CDH1 (cadherin 1; plus strand). Cytogenetic location: 16q22.1.
Variant type: single nucleotide variant.
Coding change: c.1570C>T on transcript NM_004360.5 (MANE Select); coding-DNA position 1570, C replaced by T.
Protein change: p.Arg524Trp; replaces arginine 524 with tryptophan.
Molecular consequence: missense variant. On other transcripts: intron variant (1).
Genome position (GRCh38, 1-based): chr16:68,819,284, C>T. VCF-style: chr16-68819284-C-T. GRCh37 (hg19) VCF-style: chr16-68853187-C-T.
Other names: c.1570C>T (LRG_301t1); c.1387C>T, p.Arg463Trp (NM_001317184.2); c.22C>T, p.Arg8Trp (NM_001317185.2); c.-254-2717C>T (NM_001317186.2); short protein forms R524W, R463W, R8W.
Identifiers: ClinVar variation 230466 (VCV000230466.31), dbSNP rs373605261, ClinGen allele CA10580126.
Genomic context (GRCh38, chr16:68,819,284, plus strand): 5'-CAGCTACATGTTGTTTGCTGGTCCTATTCTAAAAGCCAGAGCTTGTCCCCGTTCAGATAT[C>T]GGATTTGGAGAGACACTGCCAACTGGCTGGAGATTAATCCGGACACTGGTGCCATTTCCA-3'
Protein context (NP_004351.1, residues 514-534): DTFMEQKITY[Arg524Trp]IWRDTANWLE

ClinVar aggregate classification (germline): Conflicting classifications of pathogenicity. Review status: criteria provided, conflicting classifications (1 of 4 stars). 9 submissions from 9 submitters: Uncertain significance (7); Likely benign (1). 1 of the submissions does not count toward it. Last evaluated 2026-02-20.

Conditions:
Familial cancer of breast. Also called: BREAST CANCER, FAMILIAL; hereditary breast carcinoma; Hereditary breast cancer. Identifiers: Orphanet 227535, MedGen C0346153, MONDO:0016419, OMIM 114480. Disease mechanism: loss of function.
Hereditary cancer-predisposing syndrome. Also called: Tumor predisposition; Hereditary neoplastic syndrome; Hereditary Cancer Syndrome; Neoplastic Syndromes, Hereditary. Identifiers: Orphanet 140162, MedGen C0027672, MeSH D009386, MONDO:0015356.
Hereditary diffuse gastric adenocarcinoma (HDGC). Also called: DIFFUSE GASTRIC AND LOBULAR BREAST CANCER SYNDROME. Identifiers: Orphanet 26106, MedGen C1708349, MONDO:0007648, OMIM 137215.

gnomAD v4.1: 8 of 1,614,090 alleles (0.0005%); highest among the groups gnomAD compares: East Asian, 0.0022%; no homozygotes.

Submissions (9):

Ambry Genetics
Classification: Likely benign for Hereditary cancer-predisposing syndrome. Last evaluated: 2026-02-20. Review status: criteria provided, single submitter. Criteria: Ambry Variant Classification Scheme 2023. Collection method: clinical testing. Allele origin: germline.

Labcorp Genetics (formerly Invitae), Labcorp
Classification: Uncertain significance for Hereditary diffuse gastric adenocarcinoma. Last evaluated: 2025-11-18. Review status: criteria provided, single submitter. Criteria: Invitae Variant Classification Sherloc (09022015). Collection method: clinical testing. Allele origin: germline.
Comment: This sequence change replaces arginine, which is basic and polar, with tryptophan, which is neutral and slightly polar, at codon 524 of the CDH1 protein (p.Arg524Trp). This variant is present in population databases (no rsID available, gnomAD 0.0009%). This variant has not been reported in the literature in individuals affected with CDH1-related conditions. ClinVar contains an entry for this variant (Variation ID: 230466). An algorithm developed to predict the effect of missense changes on protein structure and function (PolyPhen-2) suggests that this variant is likely to be disruptive. In summary, the available evidence is currently insufficient to determine the role of this variant in disease. Therefore, it has been classified as a Variant of Uncertain Significance.

Quest Diagnostics Nichols Institute San Juan Capistrano
Classification: Uncertain significance. Last evaluated: 2025-04-03. Review status: criteria provided, single submitter. Criteria: Quest Diagnostics criteria. Collection method: clinical testing. Allele origin: unknown.
Comment: The CDH1 c.1570C>T (p.Arg524Trp) variant has been reported in the published literature in an individual with colorectal cancer (PMID: 38887977 (2024)), and in a reportedly unaffected individual (PMID: 33471991 (2021)), see also LOVD). The frequency of this variant in the general population (Genome Aggregation Database) is uninformative in the assessment of its pathogenicity. Analysis of this variant using bioinformatics tools for the prediction of the effect of amino acid changes on protein structure and function yielded conflicting predictions that this variant is benign or damaging. Based on the available information, we are unable to determine the clinical significance of this variant.

Color Diagnostics, LLC DBA Color Health
Classification: Uncertain significance for Hereditary cancer-predisposing syndrome. Last evaluated: 2025-03-10. Review status: criteria provided, single submitter. Criteria: ACMG Guidelines, 2015. Collection method: clinical testing. Allele origin: germline.
Comment: This missense variant replaces arginine with tryptophan at codon 524 of the CDH1 protein. To our knowledge, functional studies have not been reported for this variant. This variant has been detected in a breast cancer case-control meta-analysis in 0/60466 cases and 1/53461 unaffected individuals (PMID: 33471991; Leiden Open Variation Database DB-ID CDH1_000597). This variant has been identified in 1/251482 chromosomes in the general population by the Genome Aggregation Database (gnomAD). The available evidence is insufficient to determine the role of this variant in disease conclusively. Therefore, this variant is classified as a Variant of Uncertain Significance.

GeneDx
Classification: Uncertain significance. Last evaluated: 2024-06-03. Review status: criteria provided, single submitter. Criteria: GeneDx Variant Classification Process June 2021. Collection method: clinical testing. Allele origin: germline. Affected: yes.
Comment: Not observed at significant frequency in large population cohorts (gnomAD); In silico analysis supports that this missense variant has a deleterious effect on protein structure/function; Has not been previously published as pathogenic or benign to our knowledge; This variant is associated with the following publications: (PMID: 27904775, 15235021, 22850631)

Baylor Genetics
Classification: Uncertain significance for Familial cancer of breast. Last evaluated: 2023-05-17. Review status: criteria provided, single submitter. Criteria: ACMG Guidelines, 2015. Collection method: clinical testing. Allele origin: unknown.

Myriad Genetics, Inc.
Classification: Uncertain significance for Hereditary diffuse gastric adenocarcinoma. Last evaluated: 2023-03-03. Review status: criteria provided, single submitter. Criteria: Myriad Autosomal Dominant, Autosomal Recessive and X-Linked Classification Criteria (2023). Collection method: clinical testing. Allele origin: unknown.
Comment: This variant is classified as a variant of uncertain significance as there is insufficient evidence to determine its impact on protein function and/or cancer risk.

Sema4
Classification: Uncertain significance for Hereditary cancer-predisposing syndrome. Last evaluated: 2021-09-11. Review status: criteria provided, single submitter. Criteria: Sema4 Curation Guidelines. Collection method: curation. Allele origin: germline.
Comment: To the best of our knowledge, the CDH1 c.1570C>T (p.R524W) variant has not been reported in individuals with CDH1-related disease. It was observed in 1/251482 chromosomes in the large and broad cohorts of the Genome Aggregation Database (PMID: 32461654). The variant has been reported in ClinVar (Variation ID 230466). Functional studies have not been performed, and in silico predictions of the variant's effect on protein function are inconclusive. The evidence is insufficient to meet ACMG/AMP criteria for classifying the variant as benign or pathogenic. Thus, the clinical significance of this variant is currently uncertain.

Counsyl
Classification: Uncertain significance for Hereditary diffuse gastric adenocarcinoma. Last evaluated: 2017-11-10. Review status: no assertion criteria provided. Collection method: clinical testing. Allele origin: unknown. Not counted in ClinVar's aggregate classification.

Literature cited by the submitters: PubMed 33471991 (cited by 3 submitters); PubMed 27904775 (cited by Quest Diagnostics Nichols Institute San Juan Capistrano); PubMed 38887977 (cited by Quest Diagnostics Nichols Institute San Juan Capistrano); PubMed 39113632 (cited by Quest Diagnostics Nichols Institute San Juan Capistrano).